The following is an entry in ClinVar:

ClinVar aggregate classification (germline): Pathogenic (1 of 4 stars; one submission).

Submission:

Labcorp Genetics (formerly Invitae), Labcorp
Classification: Pathogenic. Last evaluated: 2023-05-16. Review status: criteria provided, single submitter. Criteria: Invitae Variant Classification Sherloc (09022015). Collection method: clinical testing. Allele origin: germline.
Comment: This sequence change creates a premature translational stop signal (p.Cys1306*) in the PCDH15 gene. It is expected to result in an absent or disrupted protein product. Loss-of-function variants in PCDH15 are known to be pathogenic (PMID: 11398101, 11487575, 14570705). This variant is not present in population databases (gnomAD no frequency). For these reasons, this variant has been classified as Pathogenic. This variant has not been reported in the literature in individuals affected with PCDH15-related conditions.

Literature cited by the submitters: PubMed 11398101; PubMed 11487575; PubMed 14570705.

NM_001384140.1(PCDH15):c.3918T>A (p.Cys1306Ter)

Gene: PCDH15 (protocadherin related 15; minus strand). Cytogenetic location: 10q21.1.
Variant type: single nucleotide variant.
Coding change: c.3918T>A on transcript NM_001384140.1 (MANE Select); coding-DNA position 3918, T replaced by A.
Protein change: p.Cys1306Ter; replaces cysteine 1306 with a stop codon.
Molecular consequence: nonsense.
Genome position (GRCh38, 1-based): chr10:53,840,385, A>T on the plus strand (T>A on the coding strand, the complement: PCDH15 is on the minus strand). VCF-style: chr10-53840385-A-T. GRCh37 (hg19) VCF-style: chr10-55600145-A-T.
Other names: c.3933T>A, p.Cys1311Ter (NM_001142763.2, NM_001142771.2); c.3918T>A, p.Cys1306Ter (NM_001142764.2, NM_001142766.2, NM_001142770.3 and 4 more transcripts); c.3705T>A, p.Cys1235Ter (NM_001142765.2); c.3807T>A, p.Cys1269Ter (NM_001142767.2); c.3852T>A, p.Cys1284Ter (NM_001142768.2, NM_001142773.2, NM_001354404.2); c.3954T>A, p.Cys1318Ter (NM_001142769.4); c.3939T>A, p.Cys1313Ter (NM_001354411.2); short protein forms C1284*, C1306*, C1269*, C1311*, C1318*, C1235*, C1313*.
Identifiers: ClinVar variation 2864769 (VCV002864769.3), dbSNP rs2492843112, ClinGen allele CA376528790.